The following is an entry in ClinVar:

NM_002439.5(MSH3):c.817_820del (p.Tyr273fs)

Gene: MSH3 (mutS homolog 3; plus strand). Cytogenetic location: 5q14.1.
Variant type: Microsatellite.
Coding change: c.817_820del on transcript NM_002439.5 (MANE Select); coding-DNA positions 817 to 820, 4 bases deleted (TATT; older notation c.817_820delTATT).
Protein change: p.Tyr273fs; shifts the reading frame from tyrosine 273.
Molecular consequence: frameshift variant.
Genome position (GRCh38, 1-based): chr5:80,672,268-80,672,271, TATT deleted; deleting any 4 consecutive bases within chr5:80,672,264-80,672,271 gives the same sequence; the c. name uses the placement nearest the transcript's 3' end. VCF-style (leftmost placement, unchanged base first): chr5-80672263-ATATT-A. GRCh37 (hg19) VCF-style: chr5-79968082-ATATT-A.
Other names: short protein forms Y273fs.
Identifiers: ClinVar variation 2673533 (VCV002673533.4), dbSNP rs2546722368, ClinGen allele CA2695198646.

ClinVar aggregate classification (germline): Pathogenic. Review status: criteria provided, multiple submitters, no conflicts (2 of 4 stars). 2 submissions from 2 submitters: Pathogenic (2). Last evaluated 2023-07-28.

Conditions:
Familial adenomatous polyposis 4 (FAP4). Also called: MSH3-related attenuated familial adenomatous polyposis. Identifiers: Orphanet 480536, MedGen C4310719, MONDO:0044300, OMIM 617100.

Submissions (2):

Labcorp Genetics (formerly Invitae), Labcorp
Classification: Pathogenic. Last evaluated: 2023-07-28. Review status: criteria provided, single submitter. Criteria: Invitae Variant Classification Sherloc (09022015). Collection method: clinical testing. Allele origin: germline.
Comment: This sequence change creates a premature translational stop signal (p.Tyr273Alafs*3) in the MSH3 gene. It is expected to result in an absent or disrupted protein product. Loss-of-function variants in MSH3 are known to be pathogenic (PMID: 27476653). This variant is not present in population databases (gnomAD no frequency). This variant has not been reported in the literature in individuals affected with MSH3-related conditions. For these reasons, this variant has been classified as Pathogenic.

Myriad Genetics, Inc.
Classification: Pathogenic for Familial adenomatous polyposis 4. Last evaluated: 2023-07-24. Review status: criteria provided, single submitter. Criteria: Myriad Autosomal Dominant, Autosomal Recessive and X-Linked Classification Criteria (2023). Collection method: clinical testing. Allele origin: unknown.
Comment: This variant is considered pathogenic. This variant creates a frameshift predicted to result in premature protein truncation.

Literature cited by the submitters: PubMed 27476653 (cited by Labcorp Genetics (formerly Invitae), Labcorp).